The following is an entry in ClinVar:

ClinVar aggregate classification (germline): Uncertain significance (1 of 4 stars; one submission).

Submission:

GeneDx
Classification: Uncertain significance. Last evaluated: 2021-05-27. Review status: criteria provided, single submitter. Criteria: GeneDx Variant Classification Process June 2021. Collection method: clinical testing. Allele origin: germline. Affected: yes.
Comment: Not observed at significant frequency in large population cohorts (Lek et al., 2016); In silico analysis supports that this missense variant has a deleterious effect on protein structure/function; Has not been previously published as pathogenic or benign to our knowledge

NM_001042517.2(DIAPH3):c.3167G>C (p.Gly1056Ala)

Gene: DIAPH3 (diaphanous related formin 3; minus strand). Cytogenetic location: 13q21.2.
Variant type: single nucleotide variant.
Coding change: c.3167G>C on transcript NM_001042517.2 (MANE Select); coding-DNA position 3167, G replaced by C.
Protein change: p.Gly1056Ala; replaces glycine 1056 with alanine.
Molecular consequence: missense variant.
Genome position (GRCh38, 1-based): chr13:59,774,820, C>G on the plus strand (G>C on the coding strand, the complement: DIAPH3 is on the minus strand). VCF-style: chr13-59774820-C-G. GRCh37 (hg19) VCF-style: chr13-60348954-C-G.
Other names: c.3134G>C, p.Gly1045Ala (NM_001258366.2); c.3029G>C, p.Gly1010Ala (NM_001258367.2); c.2957G>C, p.Gly986Ala (NM_001258368.2); c.3167G>C, p.Gly1056Ala (NM_001258369.2); c.2378G>C, p.Gly793Ala (NM_030932.4); short protein forms G1010A, G1045A, G1056A, G793A, G986A.
Identifiers: ClinVar variation 1326768 (VCV001326768.2), dbSNP rs1245069375, ClinGen allele CA388327452.